The following is an entry in ClinVar:

NM_000883.4(IMPDH1):c.166A>G (p.Thr56Ala)

Gene: IMPDH1 (inosine monophosphate dehydrogenase 1; minus strand). Cytogenetic location: 7q32.1.
Variant type: single nucleotide variant.
Coding change: c.166A>G on transcript NM_000883.4 (MANE Select); coding-DNA position 166, A replaced by G.
Protein change: p.Thr56Ala; replaces threonine 56 with alanine.
Molecular consequence: missense variant. On other transcripts: intron variant (3).
Genome position (GRCh38, 1-based): chr7:128,409,465, T>C on the plus strand (A>G on the coding strand, the complement: IMPDH1 is on the minus strand). VCF-style: chr7-128409465-T-C. GRCh37 (hg19) VCF-style: chr7-128049519-T-C.
Other names: c.166A>G, p.Thr56Ala (NM_001142576.2); c.146+291A>G (NM_001304521.2, NM_183243.3); c.147-99A>G (NM_001102605.2); short protein forms T56A.
Identifiers: ClinVar variation 1018373 (VCV001018373.7), dbSNP rs148474921, ClinGen allele CA4471260.

ClinVar aggregate classification (germline): Uncertain significance. Review status: criteria provided, multiple submitters, no conflicts (2 of 4 stars). 2 submissions from 2 submitters: Uncertain significance (2). Last evaluated 2024-10-15.

Allele frequency attached by ClinVar (database versions not stated): TOPMed 0.00006; gnomAD 0.00007 and 0.00008; gnomAD exomes 0.00008; ExAC 0.00009; ESP Exome Variant Server 0.00023.
gnomAD v4.1: 135 of 1,614,078 alleles (0.0084%); highest among the groups gnomAD compares: Non-Finnish European, 0.0092%; no homozygotes.

Submissions (2):

Labcorp Genetics (formerly Invitae), Labcorp
Classification: Uncertain significance. Last evaluated: 2024-10-15. Review status: criteria provided, single submitter. Criteria: Invitae Variant Classification Sherloc (09022015). Collection method: clinical testing. Allele origin: germline.
Comment: This sequence change replaces threonine, which is neutral and polar, with alanine, which is neutral and non-polar, at codon 56 of the IMPDH1 protein (p.Thr56Ala). This variant is present in population databases (rs148474921, gnomAD 0.07%). This variant has not been reported in the literature in individuals affected with IMPDH1-related conditions. ClinVar contains an entry for this variant (Variation ID: 1018373). An algorithm developed to predict the effect of missense changes on protein structure and function outputs the following: PolyPhen-2: "Benign". The alanine amino acid residue is found in multiple mammalian species, which suggests that this missense change does not adversely affect protein function. In summary, the available evidence is currently insufficient to determine the role of this variant in disease. Therefore, it has been classified as a Variant of Uncertain Significance.

Breakthrough Genomics
Classification: Uncertain significance. Review status: criteria provided, single submitter. Criteria: ACMG Guidelines, 2015. Collection method: not provided. Allele origin: germline. Inheritance: Autosomal recessive inheritance. Affected: yes.